The following is an entry in ClinVar:

ClinVar aggregate classification (germline): Uncertain significance (1 of 4 stars; one submission).

Conditions:
Autosomal recessive limb-girdle muscular dystrophy type R18 (LGMDR18). Also called: MUSCULAR DYSTROPHY, LIMB-GIRDLE, AUTOSOMAL RECESSIVE 18; Autosomal recessive limb-girdle muscular dystrophy type 2S; Limb-girdle muscular dystrophy, type 2S. Identifiers: Orphanet 369840, MedGen C4517996, MONDO:0014144, OMIM 615356.

gnomAD v4.1: 3 of 1,613,072 alleles (0.00019%); highest among the groups gnomAD compares: East Asian, 0.0045%; no homozygotes.

Submission:

Labcorp Genetics (formerly Invitae), Labcorp
Classification: Uncertain significance for Autosomal recessive limb-girdle muscular dystrophy type R18. Last evaluated: 2022-10-05. Review status: criteria provided, single submitter. Criteria: Invitae Variant Classification Sherloc (09022015). Collection method: clinical testing. Allele origin: germline.
Comment: In summary, the available evidence is currently insufficient to determine the role of this variant in disease. Therefore, it has been classified as a Variant of Uncertain Significance. Advanced modeling of protein sequence and biophysical properties (such as structural, functional, and spatial information, amino acid conservation, physicochemical variation, residue mobility, and thermodynamic stability) performed at Invitae indicates that this missense variant is expected to disrupt TRAPPC11 protein function. ClinVar contains an entry for this variant (Variation ID: 1357448). This variant has not been reported in the literature in individuals affected with TRAPPC11-related conditions. This variant is not present in population databases (gnomAD no frequency). This sequence change replaces isoleucine, which is neutral and non-polar, with methionine, which is neutral and non-polar, at codon 306 of the TRAPPC11 protein (p.Ile306Met).

NM_021942.6(TRAPPC11):c.918T>G (p.Ile306Met)

Gene: TRAPPC11 (trafficking protein particle complex subunit 11; plus strand). Cytogenetic location: 4q35.1.
Variant type: single nucleotide variant.
Coding change: c.918T>G on transcript NM_021942.6 (MANE Select); coding-DNA position 918, T replaced by G.
Protein change: p.Ile306Met; replaces isoleucine 306 with methionine.
Molecular consequence: missense variant.
Genome position (GRCh38, 1-based): chr4:183,679,439, T>G. VCF-style: chr4-183679439-T-G. GRCh37 (hg19) VCF-style: chr4-184600592-T-G.
Other names: c.918T>G, p.Ile306Met (NM_199053.3); short protein forms I306M.
Identifiers: ClinVar variation 1357448 (VCV001357448.8), dbSNP rs2111346233, ClinGen allele CA358862393.